The following is an entry in ClinVar:

ClinVar aggregate classification (germline): Likely pathogenic (1 of 4 stars; one submission).

Conditions:
Developmental and epileptic encephalopathy 92. Also called: EPILEPTIC ENCEPHALOPATHY, INFANTILE OR EARLY CHILDHOOD, 2. Identifiers: MedGen C4693362, MONDO:0020631, OMIM 617829.

Submission:

3billion
Classification: Likely pathogenic for Developmental and epileptic encephalopathy 92. Last evaluated: 2022-01-03. Review status: criteria provided, single submitter. Criteria: ACMG Guidelines, 2015. Collection method: clinical testing. Allele origin: germline. Affected: yes. Observed: 1 heterozygote.
Comment: A different missense change at the same codon has been reported as pathogenic/likely pathogenic with strong evidence (ClinVar ID: VCV000521465, PM5_M). In silico tool predictions suggest damaging effect of the variant on gene or gene product (REVEL: 0.779, 3CNET: 0.791, PP3_P). A missense variant is a common mechanism associated with Developmental and epileptic encephalopathy 92 (PP2_P). It is not observed in the gnomAD v2.1.1 dataset (PM2_M). Therefore, this variant is classified as likely pathogenic according to the recommendation of ACMG/AMP guideline.

NM_001371727.1(GABRB2):c.627G>T (p.Gln209His)

Gene: GABRB2 (gamma-aminobutyric acid type A receptor subunit beta2; minus strand). Cytogenetic location: 5q34.
Variant type: single nucleotide variant.
Coding change: c.627G>T on transcript NM_001371727.1 (MANE Select); coding-DNA position 627, G replaced by T.
Protein change: p.Gln209His; replaces glutamine 209 with histidine.
Molecular consequence: missense variant.
Genome position (GRCh38, 1-based): chr5:161,336,684, C>A on the plus strand (G>T on the coding strand, the complement: GABRB2 is on the minus strand). VCF-style: chr5-161336684-C-A. GRCh37 (hg19) VCF-style: chr5-160763691-C-A.
Other names: c.627G>T, p.Gln209His (NM_000813.3, NM_021911.3); short protein forms Q209H.
Identifiers: ClinVar variation 1333488 (VCV001333488.1), dbSNP rs2113408165, ClinGen allele CA362171945.
Genomic context (GRCh38, chr5:161,336,684, plus strand): 5'-ATACAAACCTGTGGAAAAAACAACCTTCTTGGTGATAAGTTTGTAATCTACAATAGAGAA[C>A]TGTGGAAGTTCAATTTTCGTTACTCCTGTTACTGCATTATCATCGCCACGCCAGTAAAAC-3'
Protein context (NP_001358656.1, residues 199-219): VTGVTKIELP[Gln209His]FSIVDYKLIT